The following is an entry in ClinVar:

ClinVar aggregate classification (germline): Conflicting classifications of pathogenicity. Review status: criteria provided, conflicting classifications (1 of 4 stars). 2 submissions from 2 submitters: Likely pathogenic (1); Uncertain significance (1). Last evaluated 2024-07-05.

Conditions:
Hereditary cancer-predisposing syndrome. Also called: Neoplastic Syndromes, Hereditary; Hereditary Cancer Syndrome; Hereditary neoplastic syndrome; Tumor predisposition. Identifiers: Orphanet 140162, MedGen C0027672, MeSH D009386, MONDO:0015356.
Congenital diarrhea 5 with tufting enteropathy. Also called: Congenital tufting enteropathy; INTESTINAL EPITHELIAL CELL DYSPLASIA. Identifiers: Orphanet 92050, MedGen C2750737, MONDO:0013184, OMIM 613217.

Allele frequency attached by ClinVar (database versions not stated): gnomAD exomes below 0.00001.

Submissions (2):

Aleixo Muise Laboratory, Hospital For Sick Children
Classification: Likely pathogenic for Congenital diarrhea 5 with tufting enteropathy. Last evaluated: 2024-07-05. Review status: criteria provided, single submitter. Criteria: ACMG Guidelines, 2015. Collection method: research. Allele origin: germline. Affected: yes. Observed: 1 variant allele.
Comment: PM2;PM3;PM5;PP3;PP4

Ambry Genetics
Classification: Uncertain significance for Hereditary cancer-predisposing syndrome. Last evaluated: 2023-05-05. Review status: criteria provided, single submitter. Criteria: Ambry Variant Classification Scheme 2023. Collection method: clinical testing. Allele origin: germline.
Comment: The p.R126K variant (also known as c.377G>A), located in coding exon 3 of the EPCAM gene, results from a G to A substitution at nucleotide position 377. The arginine at codon 126 is replaced by lysine, an amino acid with highly similar properties. This amino acid position is conserved. In addition, this alteration is predicted to be deleterious by in silico analysis. Since supporting evidence is limited at this time, the clinical significance of this alteration remains unclear.

NM_002354.3(EPCAM):c.377G>A (p.Arg126Lys)

Gene: EPCAM (epithelial cell adhesion molecule; plus strand). Cytogenetic location: 2p21.
Variant type: single nucleotide variant.
Coding change: c.377G>A on transcript NM_002354.3 (MANE Select); coding-DNA position 377, G replaced by A.
Protein change: p.Arg126Lys; replaces arginine 126 with lysine.
Molecular consequence: missense variant.
Genome position (GRCh38, 1-based): chr2:47,374,000, G>A. VCF-style: chr2-47374000-G-A. GRCh37 (hg19) VCF-style: chr2-47601139-G-A.
Other names: short protein forms R126K.
Identifiers: ClinVar variation 2562277 (VCV002562277.3), dbSNP rs2103747843, ClinGen allele CA346723392.